The following is an entry in ClinVar:

ClinVar aggregate classification (germline): Likely benign. Review status: criteria provided, multiple submitters, no conflicts (2 of 4 stars). 2 submissions from 2 submitters: Likely benign (2). Last evaluated 2026-08-12.

Conditions:
DST-related disorder. Also called: DST-related condition; DST-related disorders.
Epidermolysis bullosa simplex 3, localized or generalized intermediate, with BP230 deficiency (EBS3). Also called: Epidermolysis bullosa simplex, autosomal recessive 2; Epidermolysis bullosa simplex due to BP230 deficiency. Identifiers: Orphanet 412181, MedGen C3809470, MONDO:0014180, OMIM 615425.
Hereditary sensory and autonomic neuropathy type 6. Also called: Neuropathy, hereditary sensory and autonomic, type VI; HSAN VI. Identifiers: Orphanet 314381, MedGen C3539003, MONDO:0013839, OMIM 614653.

gnomAD v4.1: 5 of 1,612,926 alleles (0.00031%); highest among the groups gnomAD compares: Admixed American, 0.0033%; no homozygotes.

Submissions (2):

PreventionGenetics, part of Exact Sciences
Classification: Likely benign for DST-related condition. Last evaluated: 2026-08-12. Review status: criteria provided, single submitter. Criteria: ACMG Guidelines, 2015. Collection method: clinical testing. Allele origin: germline.
Comment: This variant is classified as likely benign based on ACMG/AMP sequence variant interpretation guidelines (Richards et al. 2015 PMID: 25741868, with internal and published modifications).

Labcorp Genetics (formerly Invitae), Labcorp
Classification: Likely benign for Epidermolysis bullosa simplex 3, localized or generalized intermediate, with BP230 deficiency; Hereditary sensory and autonomic neuropathy type 6. Last evaluated: 2023-06-02. Review status: criteria provided, single submitter. Criteria: Invitae Variant Classification Sherloc (09022015). Collection method: clinical testing. Allele origin: germline.

NM_001374736.1(DST):c.2490+9A>T

Gene: DST (dystonin; minus strand). Cytogenetic location: 6p12.1.
Variant type: single nucleotide variant.
Coding change: c.2490+9A>T on transcript NM_001374736.1 (MANE Select); 9 bases into the intron after coding-DNA position 2490, A replaced by T.
Molecular consequence: intron variant.
Genome position (GRCh38, 1-based): chr6:56,640,134, T>A on the plus strand (A>T on the coding strand, the complement: DST is on the minus strand). VCF-style: chr6-56640134-T-A. GRCh37 (hg19) VCF-style: chr6-56504932-T-A.
Other names: c.879+9A>T (NM_001723.5, NM_015548.5, NM_001723.7); c.2391+9A>T (NM_001144769.5); c.2490+9A>T (NM_001374722.1); c.2517+9A>T (NM_001374734.1); c.1977+9A>T (NM_001144770.2); c.1857+9A>T (NM_001374730.1, NM_001386100.1, NM_183380.4 and 1 more transcripts).
Identifiers: ClinVar variation 2922608 (VCV002922608.4), dbSNP rs759815239, ClinGen allele CA139218370.